The following is an entry in ClinVar:

ClinVar aggregate classification (germline): Uncertain significance (1 of 4 stars; one submission).

Submission:

GeneDx
Classification: Uncertain significance. Last evaluated: 2023-06-20. Review status: criteria provided, single submitter. Criteria: GeneDx Variant Classification Process June 2021. Collection method: clinical testing. Allele origin: germline. Affected: yes.
Comment: In silico analysis supports that this missense variant has a deleterious effect on protein structure/function; Not observed at significant frequency in large population cohorts (gnomAD); Has not been previously published as pathogenic or benign to our knowledge

NM_023067.4(FOXL2):c.240C>G (p.Ile80Met)

Gene: FOXL2 (forkhead box L2; minus strand). Cytogenetic location: 3q22.3.
Variant type: single nucleotide variant.
Coding change: c.240C>G on transcript NM_023067.4 (MANE Select); coding-DNA position 240, C replaced by G.
Protein change: p.Ile80Met; replaces isoleucine 80 with methionine.
Molecular consequence: missense variant.
Genome position (GRCh38, 1-based): chr3:138,946,483, G>C on the plus strand (C>G on the coding strand, the complement: FOXL2 is on the minus strand). VCF-style: chr3-138946483-G-C. GRCh37 (hg19) VCF-style: chr3-138665325-G-C.
Other names: short protein forms I80M.
Identifiers: ClinVar variation 3360078 (VCV003360078.1).